The following is an entry in ClinVar:

ClinVar aggregate classification (germline): Uncertain significance. Review status: criteria provided, multiple submitters, no conflicts (2 of 4 stars). 2 submissions from 2 submitters: Uncertain significance (2). Last evaluated 2025-02-19.

gnomAD v4.1: 46 of 1,613,584 alleles (0.0029%); highest among the groups gnomAD compares: African/African-American, 0.048%; no homozygotes.

Submissions (2):

Ambry Genetics
Classification: Uncertain significance. Last evaluated: 2025-02-19. Review status: criteria provided, single submitter. Criteria: Ambry Variant Classification Scheme 2023. Collection method: clinical testing. Allele origin: germline.

Labcorp Genetics (formerly Invitae), Labcorp
Classification: Uncertain significance. Last evaluated: 2024-07-05. Review status: criteria provided, single submitter. Criteria: Invitae Variant Classification Sherloc (09022015). Collection method: clinical testing. Allele origin: germline.
Comment: This sequence change replaces serine, which is neutral and polar, with leucine, which is neutral and non-polar, at codon 605 of the CCDC141 protein (p.Ser605Leu). This variant is present in population databases (rs183079562, gnomAD 0.05%). This variant has not been reported in the literature in individuals affected with CCDC141-related conditions. Algorithms developed to predict the effect of missense changes on protein structure and function output the following: SIFT: "Not Available"; PolyPhen-2: "Benign"; Align-GVGD: "Not Available". The leucine amino acid residue is found in multiple mammalian species, which suggests that this missense change does not adversely affect protein function. In summary, the available evidence is currently insufficient to determine the role of this variant in disease. Therefore, it has been classified as a Variant of Uncertain Significance.

NM_173648.4(CCDC141):c.1814C>T (p.Ser605Leu)

Gene: CCDC141 (coiled-coil domain containing 141; minus strand). Cytogenetic location: 2q31.2.
Variant type: single nucleotide variant.
Coding change: c.1814C>T on transcript NM_173648.4 (MANE Select); coding-DNA position 1814, C replaced by T.
Protein change: p.Ser605Leu; replaces serine 605 with leucine.
Molecular consequence: missense variant.
Genome position (GRCh38, 1-based): chr2:178,878,049, G>A on the plus strand (C>T on the coding strand, the complement: CCDC141 is on the minus strand). VCF-style: chr2-178878049-G-A. GRCh37 (hg19) VCF-style: chr2-179742776-G-A.
Other names: c.1814C>T (NM_173648.3); c.1814C>T, p.Ser605Leu (NM_001316745.2); short protein forms S605L.
Identifiers: ClinVar variation 3632198 (VCV003632198.3).